The following is an entry in ClinVar:

NM_000064.4(C3):c.1876G>A (p.Gly626Ser)

Gene: C3 (complement C3; minus strand). Cytogenetic location: 19p13.3.
Variant type: single nucleotide variant.
Coding change: c.1876G>A on transcript NM_000064.4 (MANE Select); coding-DNA position 1876, G replaced by A.
Protein change: p.Gly626Ser; replaces glycine 626 with serine.
Molecular consequence: missense variant.
Genome position (GRCh38, 1-based): chr19:6,707,899, C>T on the plus strand (G>A on the coding strand, the complement: C3 is on the minus strand). VCF-style: chr19-6707899-C-T. GRCh37 (hg19) VCF-style: chr19-6707910-C-T.
Other names: short protein forms G626S.
Identifiers: ClinVar variation 4754312 (VCV004754312.1).
Genomic context (GRCh38, chr19:6,707,899, plus strand): 5'-AGGTCAGCCCTGCGTCGGAGAAGACACCGGCGTAATCCTTCCCACTGCCCGGGGTGCAGC[C>T]GATGTCTGCCTTCTCCACCACGTCCCAGATCTGCGGGGGGCATAGGGGTGGCGGGACGCA-3'
Protein context (NP_000055.2, residues 616-636): IWDVVEKADI[Gly626Ser]CTPGSGKDYA

ClinVar aggregate classification (germline): Uncertain significance (1 of 4 stars; one submission).

gnomAD v4.1: 3 of 1,613,944 alleles (0.00019%); highest among the groups gnomAD compares: South Asian, 0.0011%; no homozygotes.

Submission:

Labcorp Genetics (formerly Invitae), Labcorp
Classification: Uncertain significance. Last evaluated: 2025-10-23. Review status: criteria provided, single submitter. Criteria: Invitae Variant Classification Sherloc (09022015). Collection method: clinical testing. Allele origin: germline.
Comment: This sequence change replaces glycine, which is neutral and non-polar, with serine, which is neutral and polar, at codon 626 of the C3 protein (p.Gly626Ser). The frequency data for this variant in the population databases is considered unreliable, as metrics indicate poor data quality at this position in the gnomAD database. This variant has not been reported in the literature in individuals affected with C3-related conditions. Invitae Evidence Modeling of protein sequence and biophysical properties (such as structural, functional, and spatial information, amino acid conservation, physicochemical variation, residue mobility, and thermodynamic stability) indicates that this missense variant is expected to disrupt C3 protein function with a positive predictive value of 80%. In summary, the available evidence is currently insufficient to determine the role of this variant in disease. Therefore, it has been classified as a Variant of Uncertain Significance.